The following is an entry in ClinVar:

NM_000368.5(TSC1):c.1628T>G (p.Leu543Arg)

Gene: TSC1 (TSC complex subunit 1; minus strand). Cytogenetic location: 9q34.13.
Variant type: single nucleotide variant.
Coding change: c.1628T>G on transcript NM_000368.5 (MANE Select); coding-DNA position 1628, T replaced by G.
Protein change: p.Leu543Arg; replaces leucine 543 with arginine.
Molecular consequence: missense variant.
Genome position (GRCh38, 1-based): chr9:132,905,950, A>C on the plus strand (T>G on the coding strand, the complement: TSC1 is on the minus strand). VCF-style: chr9-132905950-A-C. GRCh37 (hg19) VCF-style: chr9-135781337-A-C.
Other names: c.1625T>G, p.Leu542Arg (NM_001162426.2); c.1475T>G, p.Leu492Arg (NM_001162427.2); c.1265T>G, p.Leu422Arg (NM_001362177.2); short protein forms L422R, L492R, L542R, L543R.
Identifiers: ClinVar variation 959771 (VCV000959771.10), dbSNP rs1588310271, ClinGen allele CA375364594.

ClinVar aggregate classification (germline): Uncertain significance. Review status: criteria provided, multiple submitters, no conflicts (2 of 4 stars). 2 submissions from 2 submitters: Uncertain significance (2). Last evaluated 2026-07-26.

Conditions:
Tuberous sclerosis 1 (TSC1). Identifiers: Orphanet 805, MedGen C1854465, MONDO:0008612, OMIM 191100.
Hereditary cancer-predisposing syndrome. Also called: Neoplastic Syndromes, Hereditary; Hereditary Cancer Syndrome; Tumor predisposition; Hereditary neoplastic syndrome. Identifiers: Orphanet 140162, MedGen C0027672, MeSH D009386, MONDO:0015356.

Submissions (2):

Ambry Genetics
Classification: Uncertain significance for Hereditary cancer-predisposing syndrome. Last evaluated: 2026-07-26. Review status: criteria provided, single submitter. Criteria: Ambry Variant Classification Scheme 2023. Collection method: clinical testing. Allele origin: germline.
Comment: The p.L543R variant (also known as c.1628T>G), located in coding exon 13 of the TSC1 gene, results from a T to G substitution at nucleotide position 1628. The leucine at codon 543 is replaced by arginine, an amino acid with dissimilar properties. This amino acid position is conserved. In addition, this alteration is predicted to be tolerated by in silico analysis. Based on the available evidence, the clinical significance of this variant remains unclear.

Labcorp Genetics (formerly Invitae), Labcorp
Classification: Uncertain significance for Tuberous sclerosis 1. Last evaluated: 2019-07-20. Review status: criteria provided, single submitter. Criteria: Invitae Variant Classification Sherloc (09022015). Collection method: clinical testing. Allele origin: germline.
Comment: This sequence change replaces leucine with arginine at codon 543 of the TSC1 protein (p.Leu543Arg). The leucine residue is weakly conserved and there is a moderate physicochemical difference between leucine and arginine. This variant is not present in population databases (ExAC no frequency). This variant has not been reported in the literature in individuals with TSC1-related conditions. Algorithms developed to predict the effect of missense changes on protein structure and function output the following: SIFT: "Tolerated"; PolyPhen-2: "Benign"; Align-GVGD: "Class C0". The arginine amino acid residue is found in multiple mammalian species, suggesting that this missense change does not adversely affect protein function. These predictions have not been confirmed by published functional studies and their clinical significance is uncertain. In summary, the available evidence is currently insufficient to determine the role of this variant in disease. Therefore, it has been classified as a Variant of Uncertain Significance.